The following is an entry in ClinVar:

ClinVar aggregate classification (germline): Uncertain significance (1 of 4 stars; one submission).

gnomAD v4.1: 3 of 1,613,386 alleles (0.00019%); highest among the groups gnomAD compares: Non-Finnish European, 0.00025%; no homozygotes.

Submission:

CeGaT Center for Human Genetics Tuebingen
Classification: Uncertain significance. Last evaluated: 2025-01-01. Review status: criteria provided, single submitter. Criteria: CeGaT Center For Human Genetics Tuebingen Variant Classification Criteria Version 2. Collection method: clinical testing. Allele origin: germline. Affected: yes. Observed: 1 variant allele.
Comment: TNNT1: PM2, PP3

NM_003283.6(TNNT1):c.107A>C (p.Glu36Ala)

Gene: TNNT1 (troponin T1, slow skeletal type; minus strand). Cytogenetic location: 19q13.42.
Variant type: single nucleotide variant.
Coding change: c.107A>C on transcript NM_003283.6 (MANE Select); coding-DNA position 107, A replaced by C.
Protein change: p.Glu36Ala; replaces glutamic acid 36 with alanine.
Molecular consequence: missense variant.
Genome position (GRCh38, 1-based): chr19:55,145,565, T>G on the plus strand (A>C on the coding strand, the complement: TNNT1 is on the minus strand). VCF-style: chr19-55145565-T-G. GRCh37 (hg19) VCF-style: chr19-55656933-T-G.
Other names: c.107A>C, p.Glu36Ala (NM_001126132.3); c.74A>C, p.Glu25Ala (NM_001126133.3, NM_001291774.2); short protein forms E25A, E36A.
Identifiers: ClinVar variation 3772380 (VCV003772380.13).